The following is an entry in ClinVar:

NM_001715.3(BLK):c.617C>G (p.Ser206Cys)

Genes: BLK (BLK proto-oncogene, Src family tyrosine kinase), BLK-AS1 (BLK antisense RNA 1). Cytogenetic location: 8p23.1.
Variant type: single nucleotide variant.
Coding change: c.617C>G on transcript NM_001715.3 (MANE Select); coding-DNA position 617, C replaced by G.
Protein change: p.Ser206Cys; replaces serine 206 with cysteine.
Molecular consequence: missense variant.
Genome position (GRCh38, 1-based): chr8:11,554,887, C>G. VCF-style: chr8-11554887-C-G. GRCh37 (hg19) VCF-style: chr8-11412396-C-G.
Other names: c.404C>G, p.Ser135Cys (NM_001330465.2); short protein forms S206C, S135C.
Identifiers: ClinVar variation 361482 (VCV000361482.43), dbSNP rs550720173, ClinGen allele CA4629980.
Genomic context (GRCh38, chr8:11,554,887, plus strand): 5'-GCTACTACATCTCCCCCCGGATCACCTTCCCCTCGCTCCAGGCCCTGGTGCAGCACTATT[C>G]TAGTAAGAGGGGGCGTGCAATGGGGGCAGGGACTTGTGCCAAGAGCCCCTGGATCTCTCG-3'
Protein context (NP_001706.2, residues 196-216): PSLQALVQHY[Ser206Cys]KKGDGLCQRL

ClinVar aggregate classification (germline): Conflicting classifications of pathogenicity. Review status: criteria provided, conflicting classifications (1 of 4 stars). 5 submissions from 5 submitters: Uncertain significance (4); Likely benign (1). Last evaluated 2025-10-29.

Conditions:
Maturity-onset diabetes of the young type 11. Identifiers: Orphanet 552, MedGen C3150618, MONDO:0013242, OMIM 613375.

Allele frequency attached by ClinVar (database versions not stated): gnomAD below 0.00001 and 0.00007; TOPMed 0.00001; gnomAD exomes 0.00008 and 0.00015; ExAC 0.00018; 1000 Genomes Project 30x 0.00031; 1000 Genomes Project 0.00040.
gnomAD v4.1: 134 of 1,613,016 alleles (0.0083%); highest among the groups gnomAD compares: South Asian, 0.14%; 2 homozygotes.

Submissions (5):

GeneDx
Classification: Uncertain significance. Last evaluated: 2025-10-29. Review status: criteria provided, single submitter. Criteria: GeneDx Variant Classification Process June 2021. Collection method: clinical testing. Allele origin: germline. Affected: yes.
Comment: In silico analysis supports that this missense variant has a deleterious effect on protein structure/function; In silico analysis suggests this variant may impact gene splicing. In the absence of RNA/functional studies, the actual effect of this sequence change is unknown.; Has not been previously published as pathogenic or benign to our knowledge; Variants in candidate genes are classified as variants of uncertain significance in accordance with ACMG guidelines (PMID: 25741868)

Labcorp Genetics (formerly Invitae), Labcorp
Classification: Uncertain significance. Last evaluated: 2025-02-06. Review status: criteria provided, single submitter. Criteria: Invitae Variant Classification Sherloc (09022015). Collection method: clinical testing. Allele origin: germline.
Comment: This sequence change replaces serine, which is neutral and polar, with cysteine, which is neutral and slightly polar, at codon 206 of the BLK protein (p.Ser206Cys). This variant is present in population databases (rs550720173, gnomAD 0.1%), and has an allele count higher than expected for a pathogenic variant. This variant has not been reported in the literature in individuals affected with BLK-related conditions. ClinVar contains an entry for this variant (Variation ID: 361482). An algorithm developed to predict the effect of missense changes on protein structure and function (PolyPhen-2) suggests that this variant is likely to be tolerated. In summary, the available evidence is currently insufficient to determine the role of this variant in disease. Therefore, it has been classified as a Variant of Uncertain Significance.

Ambry Genetics
Classification: Uncertain significance. Last evaluated: 2023-08-15. Review status: criteria provided, single submitter. Criteria: Ambry Variant Classification Scheme 2023. Collection method: clinical testing. Allele origin: germline.

CeGaT Center for Human Genetics Tuebingen
Classification: Uncertain significance. Last evaluated: 2020-09-01. Review status: criteria provided, single submitter. Criteria: CeGaT Center For Human Genetics Tuebingen Variant Classification Criteria Version 2. Collection method: clinical testing. Allele origin: germline. Affected: yes. Observed: 3 variant alleles.

Illumina Laboratory Services, Illumina
Classification: Likely benign for Maturity-onset diabetes of the young type 11. Last evaluated: 2018-01-13. Review status: criteria provided, single submitter. Criteria: ICSL Variant Classification Criteria 13 December 2019. Collection method: clinical testing. Allele origin: germline.
Comment: This variant was observed in the ICSL laboratory as part of a predisposition screen in an ostensibly healthy population. It had not been previously curated by ICSL or reported in the Human Gene Mutation Database (HGMD: prior to June 1st, 2018), and was therefore a candidate for classification through an automated scoring system. Utilizing variant allele frequency, disease prevalence and penetrance estimates, and inheritance mode, an automated score was calculated to assess if this variant is too frequent to cause the disease. Based on the score and internal cut-off values, a variant classified as likely benign is not then subjected to further curation. The score for this variant resulted in a classification of likely benign for this disease.